The following is an entry in ClinVar:

NM_000075.4(CDK4):c.580C>T (p.Pro194Ser)

Gene: CDK4 (cyclin dependent kinase 4; minus strand). Cytogenetic location: 12q14.1.
Variant type: single nucleotide variant.
Coding change: c.580C>T on transcript NM_000075.4 (MANE Select); coding-DNA position 580, C replaced by T.
Protein change: p.Pro194Ser; replaces proline 194 with serine.
Molecular consequence: missense variant.
Genome position (GRCh38, 1-based): chr12:57,750,708, G>A on the plus strand (C>T on the coding strand, the complement: CDK4 is on the minus strand). VCF-style: chr12-57750708-G-A. GRCh37 (hg19) VCF-style: chr12-58144491-G-A.
Other names: short protein forms P194S.
Identifiers: ClinVar variation 485495 (VCV000485495.14), dbSNP rs1264069202, ClinGen allele CA385545793.
Genomic context (GRCh38, chr12:57,750,708, plus strand): 5'-TCCCATACTTTCGACGAAACATCTCTGCAAAGATACAGCCAACACTCCACATGTCCACAG[G>A]TGTTGCATATGTGGACTGCAGAAGAACTTCGGGAGCTCGGTACCAGAGTGTAACAACCTA-3'
Protein context (NP_000066.1, residues 184-204): EVLLQSTYAT[Pro194Ser]VDMWSVGCIF

ClinVar aggregate classification (germline): Uncertain significance. Review status: criteria provided, multiple submitters, no conflicts (2 of 4 stars). 3 submissions from 3 submitters: Uncertain significance (3). Last evaluated 2025-12-11.

Conditions:
Hereditary cancer-predisposing syndrome. Also called: Neoplastic Syndromes, Hereditary; Tumor predisposition; Hereditary Cancer Syndrome; Hereditary neoplastic syndrome. Identifiers: Orphanet 140162, MedGen C0027672, MeSH D009386, MONDO:0015356.
CDK4-related disorder. Also called: CDK4-related condition.
Familial melanoma. Also called: Hereditary melanoma; Hereditary cutaneous melanoma. Identifiers: Orphanet 618, MedGen C1512419, MONDO:0018961.

Allele frequency attached by ClinVar (database versions not stated): gnomAD exomes below 0.00001; gnomAD 0.00001; TOPMed 0.00001.
gnomAD v4.1: 7 of 1,613,972 alleles (0.00043%); highest among the groups gnomAD compares: Non-Finnish European, 0.00059%; no homozygotes.

Submissions (3):

Ambry Genetics
Classification: Uncertain significance for Hereditary cancer-predisposing syndrome. Last evaluated: 2025-12-11. Review status: criteria provided, single submitter. Criteria: Ambry Variant Classification Scheme 2023. Collection method: clinical testing. Allele origin: germline.
Comment: The p.P194S variant (also known as c.580C>T), located in coding exon 4 of the CDK4 gene, results from a C to T substitution at nucleotide position 580. The proline at codon 194 is replaced by serine, an amino acid with similar properties. This amino acid position is highly conserved in available vertebrate species. In addition, this alteration is predicted to be tolerated by in silico analysis. Since supporting evidence is limited at this time, the clinical significance of this alteration remains unclear.

Labcorp Genetics (formerly Invitae), Labcorp
Classification: Uncertain significance for Familial melanoma. Last evaluated: 2025-05-28. Review status: criteria provided, single submitter. Criteria: Invitae Variant Classification Sherloc (09022015). Collection method: clinical testing. Allele origin: germline.
Comment: This sequence change replaces proline, which is neutral and non-polar, with serine, which is neutral and polar, at codon 194 of the CDK4 protein (p.Pro194Ser). This variant is present in population databases (no rsID available, gnomAD 0.0009%). This variant has not been reported in the literature in individuals affected with CDK4-related conditions. ClinVar contains an entry for this variant (Variation ID: 485495). Invitae Evidence Modeling of protein sequence and biophysical properties (such as structural, functional, and spatial information, amino acid conservation, physicochemical variation, residue mobility, and thermodynamic stability) indicates that this missense variant is not expected to disrupt CDK4 protein function with a negative predictive value of 95%. In summary, the available evidence is currently insufficient to determine the role of this variant in disease. Therefore, it has been classified as a Variant of Uncertain Significance.

PreventionGenetics, part of Exact Sciences
Classification: Uncertain significance for CDK4-related condition. Last evaluated: 2023-09-19. Review status: criteria provided, single submitter. Criteria: ACMG Guidelines, 2015. Collection method: clinical testing. Allele origin: germline.
Comment: The CDK4 c.580C>T variant is predicted to result in the amino acid substitution p.Pro194Ser. This variant has been reported in an individual with head and neck cancer (Table 3, Sabir and Mahjabeen. 2012. PubMed ID: 22932448). This variant is reported in 1 of ~251,000 alleles in gnomAD. It is reported as uncertain significance in ClinVar. At this time, the clinical significance of this variant is uncertain due to the absence of conclusive functional and genetic evidence.

Literature cited by the submitters: PubMed 22932448 (cited by Ambry Genetics).